The following is an entry in ClinVar:

NM_014845.6(FIG4):c.1658G>C (p.Arg553Pro)

Gene: FIG4 (FIG4 phosphoinositide 5-phosphatase; plus strand). Cytogenetic location: 6q21.
Variant type: single nucleotide variant.
Coding change: c.1658G>C on transcript NM_014845.6 (MANE Select); coding-DNA position 1658, G replaced by C.
Protein change: p.Arg553Pro; replaces arginine 553 with proline.
Molecular consequence: missense variant.
Genome position (GRCh38, 1-based): chr6:109,766,803, G>C. VCF-style: chr6-109766803-G-C. GRCh37 (hg19) VCF-style: chr6-110088006-G-C.
Other names: short protein forms R553P.
Identifiers: ClinVar variation 943611 (VCV000943611.1), dbSNP rs1422048624, ClinGen allele CA365228617.

ClinVar aggregate classification (germline): Uncertain significance (1 of 4 stars; one submission).

Conditions:
Charcot-Marie-Tooth disease type 4. Also called: Charcot-Marie-Tooth, Type 4; Charcot-Marie-Tooth disease, type IV. Identifiers: Orphanet 64749, MedGen C4082197, MONDO:0018995.

Submission:

Labcorp Genetics (formerly Invitae), Labcorp
Classification: Uncertain significance for Charcot-Marie-Tooth disease type 4. Last evaluated: 2019-09-30. Review status: criteria provided, single submitter. Criteria: Invitae Variant Classification Sherloc (09022015). Collection method: clinical testing. Allele origin: germline.
Comment: This sequence change replaces arginine with proline at codon 553 of the FIG4 protein (p.Arg553Pro). The arginine residue is highly conserved and there is a moderate physicochemical difference between arginine and proline. This variant is not present in population databases (ExAC no frequency). This variant has not been reported in the literature in individuals with FIG4-related conditions. Algorithms developed to predict the effect of missense changes on protein structure and function are either unavailable or do not agree on the potential impact of this missense change (SIFT: "Tolerated"; PolyPhen-2: "Possibly Damaging"; Align-GVGD: "Class C0"). In summary, the available evidence is currently insufficient to determine the role of this variant in disease. Therefore, it has been classified as a Variant of Uncertain Significance.